The following is an entry in ClinVar:

NM_177924.5(ASAH1):c.446A>G (p.Glu149Gly)

Gene: ASAH1 (N-acylsphingosine amidohydrolase 1; minus strand). Cytogenetic location: 8p22.
Variant type: single nucleotide variant.
Coding change: c.446A>G on transcript NM_177924.5 (MANE Select); coding-DNA position 446, A replaced by G.
Protein change: p.Glu149Gly; replaces glutamic acid 149 with glycine.
Molecular consequence: missense variant.
Genome position (GRCh38, 1-based): chr8:18,064,468, T>C on the plus strand (A>G on the coding strand, the complement: ASAH1 is on the minus strand). VCF-style: chr8-18064468-T-C. GRCh37 (hg19) VCF-style: chr8-17921977-T-C.
Other names: c.428A>G, p.Glu143Gly (NM_001127505.3); c.251A>G, p.Glu84Gly (NM_001363743.2); c.494A>G, p.Glu165Gly (NM_004315.6); short protein forms E149G, E165G, E143G, E84G.
Identifiers: ClinVar variation 1501379 (VCV001501379.4), dbSNP rs2117037285, ClinGen allele CA370431523.

ClinVar aggregate classification (germline): Uncertain significance (1 of 4 stars; one submission).

Allele frequency attached by ClinVar (database versions not stated): gnomAD exomes below 0.00001.
gnomAD v4.1: 3 of 1,575,564 alleles (0.00019%); highest among the groups gnomAD compares: Non-Finnish European, 0.00026%; no homozygotes.

Submission:

Labcorp Genetics (formerly Invitae), Labcorp
Classification: Uncertain significance. Last evaluated: 2024-09-16. Review status: criteria provided, single submitter. Criteria: Invitae Variant Classification Sherloc (09022015). Collection method: clinical testing. Allele origin: germline.
Comment: This sequence change replaces glutamic acid, which is acidic and polar, with glycine, which is neutral and non-polar, at codon 149 of the ASAH1 protein (p.Glu149Gly). This variant is not present in population databases (gnomAD no frequency). This variant has not been reported in the literature in individuals affected with ASAH1-related conditions. ClinVar contains an entry for this variant (Variation ID: 1501379). Invitae Evidence Modeling of protein sequence and biophysical properties (such as structural, functional, and spatial information, amino acid conservation, physicochemical variation, residue mobility, and thermodynamic stability) indicates that this missense variant is expected to disrupt ASAH1 protein function with a positive predictive value of 80%. Algorithms developed to predict the effect of sequence changes on RNA splicing suggest that this variant may disrupt the consensus splice site. In summary, the available evidence is currently insufficient to determine the role of this variant in disease. Therefore, it has been classified as a Variant of Uncertain Significance.